The following is an entry in ClinVar:

ClinVar aggregate classification (germline): Likely pathogenic (1 of 4 stars; one submission).

Submission:

GeneDx
Classification: Likely pathogenic. Last evaluated: 2018-01-30. Review status: criteria provided, single submitter. Criteria: GeneDx Variant Classification (06012015). Collection method: clinical testing. Allele origin: germline. Affected: yes.
Comment: The c.410delC variant has not been published as a pathogenic variant, nor has it been reported as a benign variant to our knowledge. The variant causes a frameshift starting with codon Proline 137, changes this amino acid to a Leucine residue and creates a premature Stop codon at position 5 of the new reading frame, denoted p.Pro137LeufsX5 . This variant is predicted to cause loss of normal protein function through protein truncation. The variant is not observed in large population cohorts (Lek et al., 2016). In summary, we consider this variant to be likely pathogenic.

NM_000307.5(POU3F4):c.410del (p.Pro137fs)

Gene: POU3F4 (POU class 3 homeobox 4; plus strand). Cytogenetic location: Xq21.1.
Variant type: Deletion.
Coding change: c.410del on transcript NM_000307.5 (MANE Select); coding-DNA position 410, one base deleted (C; older notation c.410delC).
Protein change: p.Pro137fs; shifts the reading frame from proline 137.
Molecular consequence: frameshift variant.
Genome position (GRCh38, 1-based): chrX:83,508,734, C deleted; the last of 2 consecutive C bases (chrX:83,508,733-83,508,734); deleting either gives the same sequence. VCF-style (leftmost placement, unchanged base first): chrX-83508732-GC-G. GRCh37 (hg19) VCF-style: chrX-82763740-GC-G.
Other names: short protein forms P137fs.
Identifiers: ClinVar variation 504048 (VCV000504048.1), dbSNP rs1555984518, ClinGen allele CA658799810.